The following is an entry in ClinVar:

NM_018060.4(IARS2):c.998C>T (p.Ala333Val)

Gene: IARS2 (isoleucyl-tRNA synthetase 2, mitochondrial; plus strand). Cytogenetic location: 1q41.
Variant type: single nucleotide variant.
Coding change: c.998C>T on transcript NM_018060.4 (MANE Select); coding-DNA position 998, C replaced by T.
Protein change: p.Ala333Val; replaces alanine 333 with valine.
Molecular consequence: missense variant.
Genome position (GRCh38, 1-based): chr1:220,103,494, C>T. VCF-style: chr1-220103494-C-T. GRCh37 (hg19) VCF-style: chr1-220276836-C-T.
Other names: short protein forms A333V.
Identifiers: ClinVar variation 2184370 (VCV002184370.4), dbSNP rs945246819, ClinGen allele CA37543513.
Genomic context (GRCh38, chr1:220,103,494, plus strand): 5'-AATTTTATGTTAGGTATGCTGTTGTGAAATGTTCTAAGTCTGGAGACCTCTACGTACTGG[C>T]GGCAGATAAAGTAGCATCTGTTGCTTCTACTTTGGAAACAACATTTGAGACTATTTCAAC-3'
Protein context (NP_060530.3, residues 323-343): CSKSGDLYVL[Ala333Val]ADKVASVAST

ClinVar aggregate classification (germline): Uncertain significance (1 of 4 stars; one submission).

Allele frequency attached by ClinVar (database versions not stated): gnomAD 0.00001; gnomAD exomes 0.00001; TOPMed 0.00004.
gnomAD v4.1: 11 of 1,613,024 alleles (0.00068%); highest among the groups gnomAD compares: African/African-American, 0.004%; no homozygotes.

Submission:

Labcorp Genetics (formerly Invitae), Labcorp
Classification: Uncertain significance. Last evaluated: 2022-04-20. Review status: criteria provided, single submitter. Criteria: Invitae Variant Classification Sherloc (09022015). Collection method: clinical testing. Allele origin: germline.
Comment: In summary, the available evidence is currently insufficient to determine the role of this variant in disease. Therefore, it has been classified as a Variant of Uncertain Significance. Algorithms developed to predict the effect of missense changes on protein structure and function are either unavailable or do not agree on the potential impact of this missense change (SIFT: "Deleterious"; PolyPhen-2: "Probably Damaging"; Align-GVGD: "Class C0"). This sequence change replaces alanine, which is neutral and non-polar, with valine, which is neutral and non-polar, at codon 333 of the IARS2 protein (p.Ala333Val). This variant is present in population databases (no rsID available, gnomAD 0.003%). This variant has not been reported in the literature in individuals affected with IARS2-related conditions.